The following is an entry in ClinVar:

ClinVar aggregate classification (germline): Likely benign. Review status: criteria provided, multiple submitters, no conflicts (2 of 4 stars). 2 submissions from 2 submitters: Likely benign (2). Last evaluated 2025-08-05.

Conditions:
Autosomal recessive limb-girdle muscular dystrophy type 2J (LGMDR10). Also called: Limb-girdle muscular dystrophy, type 2J; MUSCULAR DYSTROPHY, LIMB-GIRDLE, AUTOSOMAL RECESSIVE 10. Identifiers: Orphanet 140922, MedGen C1837342, MONDO:0012127, OMIM 608807.
Dilated cardiomyopathy 1G (CMD1G). Identifiers: Orphanet 154, MedGen C1858763, MONDO:0011400, OMIM 604145.
TTN-related disorder. Also called: TTN-related disorders; TTN-related condition; TTN-related disease.

Allele frequency attached by ClinVar (database versions not stated): gnomAD exomes below 0.00001.
gnomAD v4.1: 1 of 1,612,286 alleles (0.000062%); no homozygotes.

Submissions (2):

PreventionGenetics, part of Exact Sciences
Classification: Likely benign for TTN-related condition. Last evaluated: 2025-08-05. Review status: criteria provided, single submitter. Criteria: ACMG Guidelines, 2015. Collection method: clinical testing. Allele origin: germline.
Comment: This variant is classified as likely benign based on ACMG/AMP sequence variant interpretation guidelines (Richards et al. 2015 PMID: 25741868, with internal and published modifications).

Labcorp Genetics (formerly Invitae), Labcorp
Classification: Likely benign for Dilated cardiomyopathy 1G; Autosomal recessive limb-girdle muscular dystrophy type 2J. Last evaluated: 2025-02-05. Review status: criteria provided, single submitter. Criteria: Invitae Variant Classification Sherloc (09022015). Collection method: clinical testing. Allele origin: germline.

NM_001267550.2(TTN):c.36119-4A>G

Gene: TTN (titin; minus strand). Cytogenetic location: 2q31.2.
Variant type: single nucleotide variant.
Coding change: c.36119-4A>G on transcript NM_001267550.2 (MANE Select); 4 bases into the intron before coding-DNA position 36119, A replaced by G.
Molecular consequence: intron variant.
Genome position (GRCh38, 1-based): chr2:178,664,741, T>C on the plus strand (A>G on the coding strand, the complement: TTN is on the minus strand). VCF-style: chr2-178664741-T-C. GRCh37 (hg19) VCF-style: chr2-179529468-T-C.
Other names: c.13859-22424A>G (NM_133437.4); c.13658-22424A>G (NM_133432.3); c.31484-1686A>G (NM_133378.4); c.34265-1686A>G (NM_001256850.1); c.13283-22424A>G (NM_003319.4).
Identifiers: ClinVar variation 793684 (VCV000793684.12), dbSNP rs894776408, ClinGen allele CA60974831.